The following is an entry in ClinVar:

ClinVar aggregate classification (germline): Benign. Review status: criteria provided, multiple submitters, no conflicts (2 of 4 stars). 9 submissions from 9 submitters: Benign (9). Last evaluated 2026-02-04.

Conditions:
Vanishing white matter disease. Also called: CACH syndrome; Childhood ataxia with diffuse central nervous system hypomyelination; Leukoencephalopathy with vanishing white matter; CACH/VWM syndrome; Cree leukoencehalopathy. Identifiers: Orphanet 135, Orphanet 99853, MedGen C1858991, MONDO:0800448.

Allele frequency attached by ClinVar (database versions not stated): 1000 Genomes Project 0.37839; 1000 Genomes Project 30x 0.38616; gnomAD exomes 0.38654 and 0.39786; ExAC 0.39619; gnomAD 0.41005 and 0.41365; TOPMed 0.41356; ESP Exome Variant Server 0.41581.
gnomAD v4.1: 626,236 of 1,613,406 alleles (39%); highest among the groups gnomAD compares: Admixed American, 52%; 125,028 homozygotes.

Submissions (9):

Labcorp Genetics (formerly Invitae), Labcorp
Classification: Benign. Last evaluated: 2026-02-04. Review status: criteria provided, single submitter. Criteria: Invitae Variant Classification Sherloc (09022015). Collection method: clinical testing. Allele origin: germline.

Mayo Clinic Laboratories, Mayo Clinic
Classification: Benign. Last evaluated: 2023-01-16. Review status: criteria provided, single submitter. Criteria: ACMG Guidelines, 2015. Collection method: clinical testing. Allele origin: germline. Observed: 312 variant alleles.
Comment: BA1, BP4, BP7

Genome-Nilou Lab
Classification: Benign for Leukoencephalopathy with vanishing white matter 1. Last evaluated: 2021-07-30. Review status: criteria provided, single submitter. Criteria: ACMG Guidelines, 2015. Collection method: clinical testing. Allele origin: germline. Affected: no.

GeneDx
Classification: Benign. Last evaluated: 2019-09-26. Review status: criteria provided, single submitter. Criteria: GeneDx Variant Classification Process June 2021. Collection method: clinical testing. Allele origin: germline. Affected: yes.
Comment: This variant is associated with the following publications: (PMID: 28008009)

Illumina Laboratory Services, Illumina
Classification: Benign for Leukoencephalopathy with vanishing white matter 1. Last evaluated: 2018-01-13. Review status: criteria provided, single submitter. Criteria: ICSL Variant Classification Criteria 13 December 2019. Collection method: clinical testing. Allele origin: germline.
Comment: This variant was observed in the ICSL laboratory as part of a predisposition screen in an ostensibly healthy population. It had not been previously curated by ICSL or reported in the Human Gene Mutation Database (HGMD: prior to June 1st, 2018), and was therefore a candidate for classification through an automated scoring system. Utilizing variant allele frequency, disease prevalence and penetrance estimates, and inheritance mode, an automated score was calculated to assess if this variant is too frequent to cause the disease. Based on the score and internal cut-off values, a variant classified as benign is not then subjected to further curation. The score for this variant resulted in a classification of benign for this disease.

Athena Diagnostics
Classification: Benign. Last evaluated: 2017-09-13. Review status: criteria provided, single submitter. Criteria: Athena Diagnostics Criteria. Collection method: clinical testing. Allele origin: germline.

Eurofins Ntd Llc (ga)
Classification: Benign. Last evaluated: 2014-12-19. Review status: criteria provided, single submitter. Criteria: EGL Classification Definitions 2015. Collection method: clinical testing. Allele origin: germline. Observed: 33 variant alleles, 21 heterozygotes, 12 homozygotes.

Breakthrough Genomics
Classification: Benign. Review status: criteria provided, single submitter. Criteria: ACMG Guidelines, 2015. Collection method: not provided. Allele origin: germline. Inheritance: Autosomal recessive inheritance. Affected: yes.

PreventionGenetics, part of Exact Sciences
Classification: Benign. Review status: criteria provided, single submitter. Criteria: ACMG Guidelines, 2015. Collection method: clinical testing. Allele origin: germline.

NM_001034116.2(EIF2B4):c.76-7G>A

Gene: EIF2B4 (eukaryotic translation initiation factor 2B subunit delta; minus strand). Cytogenetic location: 2p23.3.
Variant type: single nucleotide variant.
Coding change: c.76-7G>A on transcript NM_001034116.2 (MANE Select); 7 bases into the intron before coding-DNA position 76, G replaced by A.
Molecular consequence: intron variant.
Genome position (GRCh38, 1-based): chr2:27,369,556, C>T on the plus strand (G>A on the coding strand, the complement: EIF2B4 is on the minus strand). VCF-style: chr2-27369556-C-T. GRCh37 (hg19) VCF-style: chr2-27592423-C-T.
Other names: p.?; c.-11-11G>A (NM_001318967.2); c.76-7G>A (NM_015636.4); c.-517-7G>A (NM_001318969.2); c.31-7G>A (NM_001318966.2); c.139-7G>A (NM_172195.4, NM_001318965.2); c.-440-7G>A (NM_001318968.2).
Identifiers: ClinVar variation 95738 (VCV000095738.24), dbSNP rs7602534, ClinGen allele CA148787.
Genomic context (GRCh38, chr2:27,369,556, plus strand): 5'-CTTTTCCTTCCGAAGCTGCAGCTTTTCTTCTTTGGTCATTTCCCTCCCCACTGCCTGAGA[C>T]ACAGACATAGGATACTGCTCTTCCCCAACAATTCCAAAGGGGAACAAATACTATTGGATG-3'